The following is an entry in ClinVar:

ClinVar aggregate classification (germline): Likely benign (0 of 4 stars; one submission).

Conditions:
MAGI2-related disorder. Also called: MAGI2-related condition.

gnomAD v4.1: 11 of 1,583,536 alleles (0.00069%); highest among the groups gnomAD compares: African/African-American, 0.0014%; no homozygotes.

Submission:

PreventionGenetics, part of Exact Sciences
Classification: Likely benign for MAGI2-related condition. Last evaluated: 2024-08-02. Review status: no assertion criteria provided. Collection method: clinical testing. Allele origin: germline.
Comment: This variant is classified as likely benign based on ACMG/AMP sequence variant interpretation guidelines (Richards et al. 2015 PMID: 25741868, with internal and published modifications).

NM_012301.4(MAGI2):c.534T>C (p.Tyr178=)

Gene: MAGI2 (membrane associated guanylate kinase, WW and PDZ domain containing 2; minus strand). Cytogenetic location: 7q21.11.
Variant type: single nucleotide variant.
Coding change: c.534T>C on transcript NM_012301.4 (MANE Select); coding-DNA position 534, T replaced by C.
Protein change: p.Tyr178=; no amino-acid change (tyrosine 178 retained).
Molecular consequence: synonymous variant.
Genome position (GRCh38, 1-based): chr7:78,627,124, A>G on the plus strand (T>C on the coding strand, the complement: MAGI2 is on the minus strand). VCF-style: chr7-78627124-A-G. GRCh37 (hg19) VCF-style: chr7-78256440-A-G.
Other names: c.534T>C, p.Tyr178= (NM_001301128.2).
Identifiers: ClinVar variation 3353688 (VCV003353688.1).